The following is an entry in ClinVar:

NC_000005.10:g.(?_112775619)_(112801393_?)del

Gene: APC (APC regulator of Wnt signaling pathway; plus strand). Cytogenetic location: 5q22.2.
Variant type: Deletion.
Identifiers: ClinVar variation 642643 (VCV000642643.2).

ClinVar aggregate classification (germline): Pathogenic (1 of 4 stars; one submission).

Conditions:
Familial adenomatous polyposis 1 (FAP1). Also called: FAMILIAL ADENOMATOUS POLYPOSIS 1, ATTENUATED; POLYPOSIS, ADENOMATOUS INTESTINAL. Identifiers: MedGen C2713442, MONDO:0021056, OMIM 175100. Disease mechanism: loss of function.

Submission:

Labcorp Genetics (formerly Invitae), Labcorp
Classification: Pathogenic for Familial adenomatous polyposis 1. Last evaluated: 2019-01-25. Review status: criteria provided, single submitter. Criteria: Invitae Variant Classification Sherloc (09022015). Collection method: clinical testing. Allele origin: germline.
Comment: This variant is an out-of-frame deletion of the genomic region encompassing exons 5-8 of the APC gene. This is expected to create a premature translational stop signal and result in an absent or disrupted protein product. This variant has not been reported in the literature in individuals with APC-related conditions. Loss-of-function variants in APC are known to be pathogenic (PMID: 17963004, 20685668). For these reasons, this variant has been classified as Pathogenic.